The following is an entry in ClinVar:

ClinVar aggregate classification (germline): Uncertain significance (1 of 4 stars; one submission).

Allele frequency attached by ClinVar (database versions not stated): ExAC 0.00001.
gnomAD v4.1: 8 of 1,613,888 alleles (0.0005%); highest among the groups gnomAD compares: South Asian, 0.0077%; no homozygotes.

Submission:

GeneDx
Classification: Uncertain significance. Last evaluated: 2017-06-23. Review status: criteria provided, single submitter. Criteria: GeneDx Variant Classification (06012015). Collection method: clinical testing. Allele origin: germline. Affected: yes.
Comment: A variant of uncertain significance has been identified in the ASPM gene. The L1190P variant has not been published as a pathogenic variant, nor has it been reported as a benign variant to our knowledge. The L1190P variant is not observed at a significant frequency in large population cohorts (Lek et al., 2016; 1000 Genomes Consortium et al., 2015; Exome Variant Server). The L1190P variant is a semi-conservative amino acid substitution, which may impact secondary protein structure as these residues differ in some properties. In silico analysis predicts this variant is probably damaging to the protein structure/function. However, this substitution occurs at a position where amino acids with similar properties to Leucine are tolerated across species.Therefore, based on the currently available information, it is unclear whether this variant is a pathogenic variant or a rare benign variant.

NM_018136.5(ASPM):c.3569T>C (p.Leu1190Pro)

Gene: ASPM (assembly factor for spindle microtubules; minus strand). Cytogenetic location: 1q31.3.
Variant type: single nucleotide variant.
Coding change: c.3569T>C on transcript NM_018136.5 (MANE Select); coding-DNA position 3569, T replaced by C.
Protein change: p.Leu1190Pro; replaces leucine 1190 with proline.
Molecular consequence: missense variant.
Genome position (GRCh38, 1-based): chr1:197,122,417, A>G on the plus strand (T>C on the coding strand, the complement: ASPM is on the minus strand). VCF-style: chr1-197122417-A-G. GRCh37 (hg19) VCF-style: chr1-197091547-A-G.
Other names: c.3569T>C, p.Leu1190Pro (NM_001206846.2); short protein forms L1190P.
Identifiers: ClinVar variation 432946 (VCV000432946.2), dbSNP rs781537691, ClinGen allele CA1310141.